The following is an entry in ClinVar:

NM_004415.4(DSP):c.2227C>T (p.Gln743Ter)

Gene: DSP (desmoplakin; plus strand). Cytogenetic location: 6p24.3.
Variant type: single nucleotide variant.
Coding change: c.2227C>T on transcript NM_004415.4 (MANE Select); coding-DNA position 2227, C replaced by T.
Protein change: p.Gln743Ter; replaces glutamine 743 with a stop codon.
Molecular consequence: nonsense.
Genome position (GRCh38, 1-based): chr6:7,574,182, C>T. VCF-style: chr6-7574182-C-T. GRCh37 (hg19) VCF-style: chr6-7574415-C-T.
Other names: c.2227C>T, p.Gln743Ter (NM_001008844.3, NM_001319034.2); short protein forms Q743*.
Identifiers: ClinVar variation 2107270 (VCV002107270.4), dbSNP rs2533903647, ClinGen allele CA362680850.

ClinVar aggregate classification (germline): Pathogenic (1 of 4 stars; one submission).

Conditions:
Arrhythmogenic right ventricular dysplasia 8 (ARVD8). Also called: Arrhythmogenic Right Ventricular Dysplasia/Cardiomyopathy 8; ARRHYTHMOGENIC RIGHT VENTRICULAR DYSPLASIA, FAMILIAL, 8; ARRHYTHMOGENIC RIGHT VENTRICULAR CARDIOMYOPATHY 8. Identifiers: MedGen C1843896, MONDO:0011831, OMIM 607450.
Arrhythmogenic cardiomyopathy with wooly hair and keratoderma. Also called: Dilated cardiomyopathy with woolly hair and keratoderma; Arrhythmogenic cardiomyopathy with woolly hair and keratoderma; Carvajal syndrome; PALMOPLANTAR KERATODERMA WITH LEFT VENTRICULAR CARDIOMYOPATHY AND WOOLLY HAIR. Identifiers: Orphanet 65282, MedGen C1854063, MONDO:0011581, OMIM 605676.

Submission:

Labcorp Genetics (formerly Invitae), Labcorp
Classification: Pathogenic for Arrhythmogenic cardiomyopathy with wooly hair and keratoderma; Arrhythmogenic right ventricular dysplasia 8. Last evaluated: 2022-08-22. Review status: criteria provided, single submitter. Criteria: Invitae Variant Classification Sherloc (09022015). Collection method: clinical testing. Allele origin: germline.
Comment: For these reasons, this variant has been classified as Pathogenic. This sequence change creates a premature translational stop signal (p.Gln743*) in the DSP gene. It is expected to result in an absent or disrupted protein product. Loss-of-function variants in DSP are known to be pathogenic (PMID: 20716751, 24503780, 25227139). This variant is not present in population databases (gnomAD no frequency). This variant has not been reported in the literature in individuals affected with DSP-related conditions.

Literature cited by the submitters: PubMed 20716751; PubMed 24503780; PubMed 25227139.